The following is an entry in ClinVar:

ClinVar aggregate classification (germline): Uncertain significance. Review status: criteria provided, single submitter (1 of 4 stars). 2 submissions from 2 submitters: Uncertain significance (1). 1 of the submissions does not count toward it. Last evaluated 2020-04-17.

Conditions:
Multiple acyl-CoA dehydrogenase deficiency (MADD). Also called: Glutaric aciduria, type 2; Glutaric acidemia type II; GA 2; ETHYLMALONIC-ADIPICACIDURIA; GA II; Glutaric Acidemia type 2. Identifiers: Orphanet 26791, MedGen C0268596, MONDO:0009282, OMIM 231680.
Glutaric acidemia type 2C.

Submissions (2):

Labcorp Genetics (formerly Invitae), Labcorp
Classification: Uncertain significance for Multiple acyl-CoA dehydrogenase deficiency. Last evaluated: 2020-04-17. Review status: criteria provided, single submitter. Criteria: Invitae Variant Classification Sherloc (09022015). Collection method: clinical testing. Allele origin: germline.
Comment: In summary, the available evidence is currently insufficient to determine the role of this variant in disease. Therefore, it has been classified as a Variant of Uncertain Significance. Algorithms developed to predict the effect of missense changes on protein structure and function (SIFT, PolyPhen-2, Align-GVGD) all suggest that this variant is likely to be disruptive, but these predictions have not been confirmed by published functional studies and their clinical significance is uncertain. This variant has not been reported in the literature in individuals with ETFDH-related conditions. This variant is not present in population databases (ExAC no frequency). This sequence change replaces glutamic acid with lysine at codon 126 of the ETFDH protein (p.Glu126Lys). The glutamic acid residue is highly conserved and there is a small physicochemical difference between glutamic acid and lysine.

Natera, Inc.
Classification: Uncertain significance for Glutaric acidemia type 2C. Last evaluated: 2021-08-11. Review status: no assertion criteria provided. Collection method: clinical testing. Allele origin: germline. Not counted in ClinVar's aggregate classification.

NM_004453.4(ETFDH):c.376G>A (p.Glu126Lys)

Gene: ETFDH (electron transfer flavoprotein dehydrogenase; plus strand). Cytogenetic location: 4q32.1.
Variant type: single nucleotide variant.
Coding change: c.376G>A on transcript NM_004453.4 (MANE Select); coding-DNA position 376, G replaced by A.
Protein change: p.Glu126Lys; replaces glutamic acid 126 with lysine.
Molecular consequence: missense variant.
Genome position (GRCh38, 1-based): chr4:158,682,395, G>A. VCF-style: chr4-158682395-G-A. GRCh37 (hg19) VCF-style: chr4-159603547-G-A.
Other names: c.235G>A, p.Glu79Lys (NM_001281737.2); c.193G>A, p.Glu65Lys (NM_001281738.1); short protein forms E126K, E65K, E79K.
Identifiers: ClinVar variation 1046901 (VCV001046901.10), dbSNP rs1773885660, ClinGen allele CA358574486.
Genomic context (GRCh38, chr4:158,682,395, plus strand): 5'-GCTGCCCAGATAGGAGCTCATACTCTCTCAGGGGCTTGCCTTGATCCAGGTGCTTTTAAA[G>A]AACTCTTCCCAGACTGGAAAGAGAAGGGGGTATGAAAAATTGTTTTTTATACAAAGTCTA-3'
Protein context (NP_004444.2, residues 116-136): GACLDPGAFK[Glu126Lys]LFPDWKEKGA